The following is an entry in ClinVar:

NM_002184.4(IL6ST):c.2393TAG[1] (p.Val799del)

Gene: IL6ST (interleukin 6 cytokine family signal transducer; minus strand). Cytogenetic location: 5q11.2.
Variant type: Microsatellite.
Coding change: c.2393TAG[1] on transcript NM_002184.4 (MANE Select); one copy of the 3-base unit TAG starting at c.2393; the reference has two copies in a row; one copy, 3 bases deleted.
Protein change: p.Val799del; deletes valine 799.
Molecular consequence: 3 prime UTR variant (on NM_175767.3). On other transcripts: non-coding transcript variant (2).
Genome position (GRCh38, 1-based): chr5:55,941,441-55,941,443, CTA deleted on the plus strand (TAG on the coding strand, the reverse complement: IL6ST is on the minus strand); deleting any 3 consecutive bases within chr5:55,941,441-55,941,446 gives the same sequence; the position shown is the placement nearest the transcript's 3' end. VCF-style (leftmost placement, unchanged base first): chr5-55941440-TCTA-T. GRCh37 (hg19) VCF-style: chr5-55237268-TCTA-T.
Other names: c.2210TAG[1], p.Val738del (NM_001190981.2); c.2291TAG[1], p.Val765del (NM_001364275.2); c.2183TAG[1], p.Val729del (NM_001364276.2); c.1526TAG[1], p.Val510del (NM_001364277.2); c.1490TAG[1], p.Val498del (NM_001364278.2); c.1397TAG[1], p.Val467del (NM_001364279.2); c.*1320TAG[1] (NM_175767.3); short protein forms V498del, V510del, V729del, V738del, V765del, V467del, V799del.
Identifiers: ClinVar variation 4764474 (VCV004764474.1).

ClinVar aggregate classification (germline): Uncertain significance (1 of 4 stars; one submission).

Submission:

Labcorp Genetics (formerly Invitae), Labcorp
Classification: Uncertain significance. Last evaluated: 2025-09-22. Review status: criteria provided, single submitter. Criteria: Invitae Variant Classification Sherloc (09022015). Collection method: clinical testing. Allele origin: germline.
Comment: This variant, c.2396_2398del, results in the deletion of 1 amino acid(s) of the IL6ST protein (p.Val799del), but otherwise preserves the integrity of the reading frame. This variant is present in population databases (rs745763915, gnomAD 0.003%). This variant has not been reported in the literature in individuals affected with IL6ST-related conditions. Experimental studies and prediction algorithms are not available or were not evaluated, and the functional significance of this variant is currently unknown. In summary, the available evidence is currently insufficient to determine the role of this variant in disease. Therefore, it has been classified as a Variant of Uncertain Significance.